The following is an entry in ClinVar:

ClinVar aggregate classification (germline): Uncertain significance (0 of 4 stars; one submission).

Conditions:
DRD4-related disorder. Also called: DRD4-related condition.

Submission:

PreventionGenetics, part of Exact Sciences
Classification: Uncertain significance for DRD4-related condition. Last evaluated: 2024-07-29. Review status: no assertion criteria provided. Collection method: clinical testing. Allele origin: germline.
Comment: The DRD4 c.737C>A variant is predicted to result in the amino acid substitution p.Pro246His. To our knowledge, this variant has not been reported in the literature or in a large population database, indicating this variant is rare. At this time, the clinical significance of this variant is uncertain due to the absence of conclusive functional and genetic evidence.

NM_000797.4(DRD4):c.737C>A (p.Pro246His)

Gene: DRD4 (dopamine receptor D4; plus strand). Cytogenetic location: 11p15.5.
Variant type: single nucleotide variant.
Coding change: c.737C>A on transcript NM_000797.4 (MANE Select); coding-DNA position 737, C replaced by A.
Protein change: p.Pro246His; replaces proline 246 with histidine.
Molecular consequence: missense variant.
Genome position (GRCh38, 1-based): chr11:639,986, C>A. VCF-style: chr11-639986-C-A. GRCh37 (hg19) VCF-style: chr11-639986-C-A.
Other names: short protein forms P246H.
Identifiers: ClinVar variation 3344204 (VCV003344204.1).